The following is an entry in ClinVar:

NM_000440.3(PDE6A):c.1411A>C (p.Thr471Pro)

Gene: PDE6A (phosphodiesterase 6A; minus strand). Cytogenetic location: 5q32.
Variant type: single nucleotide variant.
Coding change: c.1411A>C on transcript NM_000440.3 (MANE Select); coding-DNA position 1411, A replaced by C.
Protein change: p.Thr471Pro; replaces threonine 471 with proline.
Molecular consequence: missense variant.
Genome position (GRCh38, 1-based): chr5:149,896,773, T>G on the plus strand (A>C on the coding strand, the complement: PDE6A is on the minus strand). VCF-style: chr5-149896773-T-G. GRCh37 (hg19) VCF-style: chr5-149276336-T-G.
Other names: short protein forms T471P.
Identifiers: ClinVar variation 1477942 (VCV001477942.6), dbSNP rs2113588157, ClinGen allele CA361696013.

ClinVar aggregate classification (germline): Uncertain significance (1 of 4 stars; one submission).

Submission:

Labcorp Genetics (formerly Invitae), Labcorp
Classification: Uncertain significance. Last evaluated: 2024-10-26. Review status: criteria provided, single submitter. Criteria: Invitae Variant Classification Sherloc (09022015). Collection method: clinical testing. Allele origin: germline.
Comment: This sequence change replaces threonine, which is neutral and polar, with proline, which is neutral and non-polar, at codon 471 of the PDE6A protein (p.Thr471Pro). This variant is not present in population databases (gnomAD no frequency). This variant has not been reported in the literature in individuals affected with PDE6A-related conditions. ClinVar contains an entry for this variant (Variation ID: 1477942). Invitae Evidence Modeling of protein sequence and biophysical properties (such as structural, functional, and spatial information, amino acid conservation, physicochemical variation, residue mobility, and thermodynamic stability) has been performed for this missense variant. However, the output from this modeling did not meet the statistical confidence thresholds required to predict the impact of this variant on PDE6A protein function. In summary, the available evidence is currently insufficient to determine the role of this variant in disease. Therefore, it has been classified as a Variant of Uncertain Significance.